The following is an entry in ClinVar:

ClinVar aggregate classification (germline): Benign. Review status: criteria provided, multiple submitters, no conflicts (2 of 4 stars). 2 submissions from 2 submitters: Benign (2). Last evaluated 2018-06-16.

Allele frequency attached by ClinVar (database versions not stated): TOPMed 0.07453; ESP Exome Variant Server 0.07595; 1000 Genomes Project 30x 0.07651; 1000 Genomes Project 0.08067; gnomAD 0.08545 and 0.08858; gnomAD exomes 0.10635 and 0.11209; ExAC 0.11193.
gnomAD v4.1: 168,904 of 1,613,042 alleles (10%); highest among the groups gnomAD compares: Middle Eastern, 18%; 9,069 homozygotes.

Submissions (2):

GeneDx
Classification: Benign. Last evaluated: 2018-06-16. Review status: criteria provided, single submitter. Criteria: GeneDx Variant Classification (06012015). Collection method: clinical testing. Allele origin: germline. Affected: yes.
Comment: This variant is considered likely benign or benign based on one or more of the following criteria: it is a conservative change, it occurs at a poorly conserved position in the protein, it is predicted to be benign by multiple in silico algorithms, and/or has population frequency not consistent with disease.

Breakthrough Genomics
Classification: Benign. Review status: criteria provided, single submitter. Criteria: ACMG Guidelines, 2015. Collection method: not provided. Allele origin: germline. Inheritance: Autosomal recessive inheritance. Affected: yes.

NM_144672.4(OTOA):c.2431+27A>G

Gene: OTOA (otoancorin). Cytogenetic location: 16p12.2.
Variant type: single nucleotide variant.
Coding change: c.2431+27A>G on transcript NM_144672.4 (MANE Select); 27 bases into the intron after coding-DNA position 2431, A replaced by G.
Molecular consequence: intron variant.
Genome position (GRCh38, 1-based): chr16:21,736,417, A>G. VCF-style: chr16-21736417-A-G. GRCh37 (hg19) VCF-style: chr16-21747738-A-G.
Other names: c.2194+27A>G (NM_001161683.2); c.1459+27A>G (NM_170664.3).
Identifiers: ClinVar variation 682783 (VCV000682783.2), dbSNP rs17251310, ClinGen allele CA7952984.